The following is an entry in ClinVar:

NM_003239.5(TGFB3):c.170del (p.Pro57fs)

Gene: TGFB3 (transforming growth factor beta 3; minus strand). Cytogenetic location: 14q24.3.
Variant type: Deletion.
Coding change: c.170del on transcript NM_003239.5 (MANE Select); coding-DNA position 170, one base deleted (C; older notation c.170delC).
Protein change: p.Pro57fs; shifts the reading frame from proline 57.
Molecular consequence: frameshift variant.
Genome position (GRCh38, 1-based): chr14:75,980,724, G deleted on the plus strand (C on the coding strand, the reverse complement: TGFB3 is on the minus strand); the first of 6 consecutive G bases (chr14:75,980,724-75,980,729); deleting any one gives the same sequence. VCF-style (leftmost placement, unchanged base first): chr14-75980723-AG-A. GRCh37 (hg19) VCF-style: chr14-76447066-AG-A.
Other names: c.170del, p.Pro57fs (NM_001329938.2, NM_001329939.2); short protein forms P57fs.
Identifiers: ClinVar variation 2014576 (VCV002014576.4), dbSNP rs2140254449, ClinGen allele CA645583195.

ClinVar aggregate classification (germline): Pathogenic (1 of 4 stars; one submission).

Conditions:
Rienhoff syndrome. Also called: LOEYS-DIETZ SYNDROME 5. Identifiers: MedGen C3810012, MONDO:0014262, OMIM 615582.

Submission:

Labcorp Genetics (formerly Invitae), Labcorp
Classification: Pathogenic for Rienhoff syndrome. Last evaluated: 2022-11-26. Review status: criteria provided, single submitter. Criteria: Invitae Variant Classification Sherloc (09022015). Collection method: clinical testing. Allele origin: germline.
Comment: For these reasons, this variant has been classified as Pathogenic. This variant has not been reported in the literature in individuals affected with TGFB3-related conditions. This variant is not present in population databases (gnomAD no frequency). This sequence change creates a premature translational stop signal (p.Pro57Leufs*5) in the TGFB3 gene. It is expected to result in an absent or disrupted protein product. Loss-of-function variants in TGFB3 are known to be pathogenic (PMID: 25835445, 26188975).

Literature cited by the submitters: PubMed 25835445; PubMed 26188975.